The following is an entry in ClinVar:

ClinVar aggregate classification (germline): Uncertain significance (1 of 4 stars; one submission).

Submission:

Labcorp Genetics (formerly Invitae), Labcorp
Classification: Uncertain significance. Last evaluated: 2024-07-24. Review status: criteria provided, single submitter. Criteria: Invitae Variant Classification Sherloc (09022015). Collection method: clinical testing. Allele origin: germline.
Comment: This sequence change replaces aspartic acid, which is acidic and polar, with asparagine, which is neutral and polar, at codon 42 of the RIPPLY2 protein (p.Asp42Asn). This variant is not present in population databases (gnomAD no frequency). This variant has not been reported in the literature in individuals affected with RIPPLY2-related conditions. An algorithm developed to predict the effect of missense changes on protein structure and function (PolyPhen-2) suggests that this variant is likely to be tolerated. In summary, the available evidence is currently insufficient to determine the role of this variant in disease. Therefore, it has been classified as a Variant of Uncertain Significance.

NM_001009994.3(RIPPLY2):c.124G>A (p.Asp42Asn)

Genes: RIPPLY2 (ripply transcriptional repressor 2; plus strand), RIPPLY2-CYB5R4 (RIPPLY2-CYB5R4 readthrough; plus strand). Cytogenetic location: 6q14.2.
Variant type: single nucleotide variant.
Coding change: c.124G>A on transcript NM_001009994.3 (MANE Select); coding-DNA position 124, G replaced by A.
Protein change: p.Asp42Asn; replaces aspartic acid 42 with asparagine.
Molecular consequence: missense variant. On other transcripts: 5 prime UTR variant (2), non-coding transcript variant (5).
Genome position (GRCh38, 1-based): chr6:83,853,723, G>A. VCF-style: chr6-83853723-G-A. GRCh37 (hg19) VCF-style: chr6-84563442-G-A.
Other names: c.-143G>A (NM_001400774.1); c.-137G>A (NM_001400899.1); c.124G>A, p.Asp42Asn (NM_001400900.1); short protein forms D42N.
Identifiers: ClinVar variation 3627930 (VCV003627930.2).